The following is an entry in ClinVar:

NM_006389.5(HYOU1):c.1901C>T (p.Ser634Phe)

Gene: HYOU1 (hypoxia up-regulated 1; minus strand). Cytogenetic location: 11q23.3.
Variant type: single nucleotide variant.
Coding change: c.1901C>T on transcript NM_006389.5 (MANE Select); coding-DNA position 1901, C replaced by T.
Protein change: p.Ser634Phe; replaces serine 634 with phenylalanine.
Molecular consequence: missense variant.
Genome position (GRCh38, 1-based): chr11:119,049,109, G>A on the plus strand (C>T on the coding strand, the complement: HYOU1 is on the minus strand). VCF-style: chr11-119049109-G-A. GRCh37 (hg19) VCF-style: chr11-118919821-G-A.
Other names: c.1901C>T, p.Ser634Phe (NM_001130991.3, NM_001411041.1); short protein forms S634F.
Identifiers: ClinVar variation 2828826 (VCV002828826.3), dbSNP rs1489071796, ClinGen allele CA382931039.

ClinVar aggregate classification (germline): Uncertain significance (1 of 4 stars; one submission).

Allele frequency attached by ClinVar (database versions not stated): gnomAD 0.00001.
gnomAD v4.1: 3 of 1,613,944 alleles (0.00019%); highest among the groups gnomAD compares: African/African-American, 0.0013%; no homozygotes.

Submission:

Labcorp Genetics (formerly Invitae), Labcorp
Classification: Uncertain significance. Last evaluated: 2023-01-15. Review status: criteria provided, single submitter. Criteria: Invitae Variant Classification Sherloc (09022015). Collection method: clinical testing. Allele origin: germline.
Comment: This sequence change replaces serine, which is neutral and polar, with phenylalanine, which is neutral and non-polar, at codon 634 of the HYOU1 protein (p.Ser634Phe). This variant is present in population databases (no rsID available, gnomAD 0.01%). This variant has not been reported in the literature in individuals affected with HYOU1-related conditions. Algorithms developed to predict the effect of missense changes on protein structure and function are either unavailable or do not agree on the potential impact of this missense change (SIFT: "Not Available"; PolyPhen-2: "Benign"; Align-GVGD: "Not Available"). In summary, the available evidence is currently insufficient to determine the role of this variant in disease. Therefore, it has been classified as a Variant of Uncertain Significance.